The following is an entry in ClinVar:

ClinVar aggregate classification (germline): Uncertain significance. Review status: criteria provided, multiple submitters, no conflicts (2 of 4 stars). 2 submissions from 2 submitters: Uncertain significance (2). Last evaluated 2025-05-21.

Conditions:
Familial cancer of breast. Also called: BREAST CANCER, FAMILIAL; Hereditary breast cancer; hereditary breast carcinoma. Identifiers: Orphanet 227535, MedGen C0346153, MONDO:0016419, OMIM 114480. Disease mechanism: loss of function.
Hereditary cancer-predisposing syndrome. Also called: Tumor predisposition; Neoplastic Syndromes, Hereditary; Hereditary neoplastic syndrome; Hereditary Cancer Syndrome. Identifiers: Orphanet 140162, MedGen C0027672, MeSH D009386, MONDO:0015356.

Submissions (2):

Labcorp Genetics (formerly Invitae), Labcorp
Classification: Uncertain significance for Familial cancer of breast. Last evaluated: 2025-05-21. Review status: criteria provided, single submitter. Criteria: Invitae Variant Classification Sherloc (09022015). Collection method: clinical testing. Allele origin: germline.
Comment: This sequence change replaces threonine, which is neutral and polar, with alanine, which is neutral and non-polar, at codon 31 of the PALB2 protein (p.Thr31Ala). This variant is not present in population databases (gnomAD no frequency). This variant has not been reported in the literature in individuals affected with PALB2-related conditions. ClinVar contains an entry for this variant (Variation ID: 850927). An algorithm developed to predict the effect of missense changes on protein structure and function (PolyPhen-2) suggests that this variant is likely to be disruptive. In summary, the available evidence is currently insufficient to determine the role of this variant in disease. Therefore, it has been classified as a Variant of Uncertain Significance.

Ambry Genetics
Classification: Uncertain significance for Hereditary cancer-predisposing syndrome. Last evaluated: 2020-08-31. Review status: criteria provided, single submitter. Criteria: Ambry Variant Classification Scheme 2023. Collection method: clinical testing. Allele origin: germline.
Comment: The p.T31A variant (also known as c.91A>G), located in coding exon 2 of the PALB2 gene, results from an A to G substitution at nucleotide position 91. The threonine at codon 31 is replaced by alanine, an amino acid with similar properties. This amino acid position is highly conserved in available vertebrate species. In addition, the in silico prediction for this alteration is inconclusive. Since supporting evidence is limited at this time, the clinical significance of this alteration remains unclear.

NM_024675.4(PALB2):c.91A>G (p.Thr31Ala)

Gene: PALB2 (partner and localizer of BRCA2; minus strand). Cytogenetic location: 16p12.2.
Variant type: single nucleotide variant.
Coding change: c.91A>G on transcript NM_024675.4 (MANE Select); coding-DNA position 91, A replaced by G.
Protein change: p.Thr31Ala; replaces threonine 31 with alanine.
Molecular consequence: missense variant.
Genome position (GRCh38, 1-based): chr16:23,638,087, T>C on the plus strand (A>G on the coding strand, the complement: PALB2 is on the minus strand). VCF-style: chr16-23638087-T-C. GRCh37 (hg19) VCF-style: chr16-23649408-T-C.
Other names: short protein forms T31A.
Identifiers: ClinVar variation 850927 (VCV000850927.13), dbSNP rs1967110664, ClinGen allele CA395139693.